The following is an entry in ClinVar:

NC_000003.12:g.169765050C>A

Genes: TERC (telomerase RNA component; minus strand), LOC110806306 (telomerase RNA component (TERC) promoter; plus strand). Cytogenetic location: 3q26.2.
Variant type: single nucleotide variant.
Genome position: GRCh38 VCF-style: chr3-169765050-C-A. GRCh37 (hg19) VCF-style: chr3-169482838-C-A.
Identifiers: ClinVar variation 534178 (VCV000534178.9), dbSNP rs1159032173, ClinGen allele CA436716055.
Genomic context (GRCh38, chr3:169,765,050, plus strand): 5'-CCTACGCCCTTCTCAGTTAGGGTTAGACAAAAAATGGCCACCACCCCTCCCAGGCCCACC[C>A]TCCGCAACCCGGTGCGCTGCCGGGCGAGTCGGCTTATAAAGGGAGCGGCCGCCGACCGCA-3'

ClinVar aggregate classification (germline): Uncertain significance (1 of 4 stars; one submission).

Conditions:
Dyskeratosis congenita, autosomal dominant 1 (DKCA1). Also called: Dyskeratosis congenita Scoggins type. Identifiers: Orphanet 1775, MedGen C4551974, MONDO:0007485, OMIM 127550. Inheritance: Variable.

Allele frequency attached by ClinVar (database versions not stated): gnomAD 0.00001; TOPMed 0.00001.

Submission:

Labcorp Genetics (formerly Invitae), Labcorp
Classification: Uncertain significance for Dyskeratosis congenita, autosomal dominant 1. Last evaluated: 2022-07-11. Review status: criteria provided, single submitter. Criteria: Invitae Variant Classification Sherloc (09022015). Collection method: clinical testing. Allele origin: germline.
Comment: In summary, the available evidence is currently insufficient to determine the role of this variant in disease. Therefore, it has been classified as a Variant of Uncertain Significance. This variant is located at the 5’ end of the TERC RNA component (PMID: 15082312, 21844345). The functional significance of this region is not well understood. ClinVar contains an entry for this variant (Variation ID: 534178). This variant has not been reported in the literature in individuals affected with TERC-related conditions. This variant is not present in population databases (gnomAD no frequency). This variant occurs in the TERC gene, which encodes an RNA molecule that does not result in a protein product.

Literature cited by the submitters: PubMed 15082312; PubMed 21844345.